The following is an entry in ClinVar:

NM_003072.5(SMARCA4):c.4772G>C (p.Arg1591Pro)

Gene: SMARCA4 (SWI/SNF related BAF chromatin remodeling complex subunit ATPase 4; plus strand). Cytogenetic location: 19p13.2.
Variant type: single nucleotide variant.
Coding change: c.4772G>C on transcript NM_003072.5 (MANE Select); coding-DNA position 4772, G replaced by C.
Protein change: p.Arg1591Pro; replaces arginine 1591 with proline.
Molecular consequence: missense variant. On other transcripts: non-coding transcript variant (1).
Genome position (GRCh38, 1-based): chr19:11,060,048, G>C. VCF-style: chr19-11060048-G-C. GRCh37 (hg19) VCF-style: chr19-11170724-G-C.
Other names: c.4772G>C, p.Arg1591Pro (NM_001128844.3); c.4682G>C, p.Arg1561Pro (NM_001128845.2); c.4679G>C, p.Arg1560Pro (NM_001128846.2); c.4673G>C, p.Arg1558Pro (NM_001128847.4, NM_001374457.1); c.4670G>C, p.Arg1557Pro (NM_001128848.2); c.4868G>C, p.Arg1623Pro (NM_001128849.3, NM_001387283.1); short protein forms R1623P, R1560P, R1558P, R1591P, R1557P, R1561P.
Identifiers: ClinVar variation 568929 (VCV000568929.9), dbSNP rs1356932636, ClinGen allele CA404080204.

ClinVar aggregate classification (germline): Uncertain significance. Review status: criteria provided, multiple submitters, no conflicts (2 of 4 stars). 2 submissions from 2 submitters: Uncertain significance (2). Last evaluated 2026-07-06.

Conditions:
Rhabdoid tumor predisposition syndrome 2 (RTPS2). Identifiers: Orphanet 231108, Orphanet 69077, MedGen C2750074, MONDO:0013224, OMIM 613325.
Hereditary cancer-predisposing syndrome. Also called: Hereditary Cancer Syndrome; Tumor predisposition; Hereditary neoplastic syndrome; Neoplastic Syndromes, Hereditary. Identifiers: Orphanet 140162, MedGen C0027672, MeSH D009386, MONDO:0015356.

Submissions (2):

Ambry Genetics
Classification: Uncertain significance for Hereditary cancer-predisposing syndrome. Last evaluated: 2026-07-06. Review status: criteria provided, single submitter. Criteria: Ambry Variant Classification Scheme 2023. Collection method: clinical testing. Allele origin: germline.
Comment: The p.R1623P variant (also known as c.4868G>C), located in coding exon 34 of the SMARCA4 gene, results from a G to C substitution at nucleotide position 4868. The arginine at codon 1623 is replaced by proline, an amino acid with dissimilar properties. This amino acid position is conserved. In addition, this alteration is predicted to be deleterious by in silico analysis. Based on the available evidence, the clinical significance of this variant remains unclear.

Labcorp Genetics (formerly Invitae), Labcorp
Classification: Uncertain significance for Rhabdoid tumor predisposition syndrome 2. Last evaluated: 2023-06-04. Review status: criteria provided, single submitter. Criteria: Invitae Variant Classification Sherloc (09022015). Collection method: clinical testing. Allele origin: germline.
Comment: In summary, the available evidence is currently insufficient to determine the role of this variant in disease. Therefore, it has been classified as a Variant of Uncertain Significance. Advanced modeling of protein sequence and biophysical properties (such as structural, functional, and spatial information, amino acid conservation, physicochemical variation, residue mobility, and thermodynamic stability) performed at Invitae indicates that this missense variant is expected to disrupt SMARCA4 protein function. ClinVar contains an entry for this variant (Variation ID: 568929). This variant has not been reported in the literature in individuals affected with SMARCA4-related conditions. This variant is not present in population databases (gnomAD no frequency). This sequence change replaces arginine, which is basic and polar, with proline, which is neutral and non-polar, at codon 1623 of the SMARCA4 protein (p.Arg1623Pro).